The following is an entry in ClinVar:

NM_006922.4(SCN3A):c.603-76G>A

Gene: SCN3A (sodium voltage-gated channel alpha subunit 3; minus strand). Cytogenetic location: 2q24.3.
Variant type: single nucleotide variant.
Coding change: c.603-76G>A on transcript NM_006922.4 (MANE Select); 76 bases into the intron before coding-DNA position 603, G replaced by A.
Molecular consequence: intron variant.
Genome position (GRCh38, 1-based): chr2:165,163,785, C>T on the plus strand (G>A on the coding strand, the complement: SCN3A is on the minus strand). VCF-style: chr2-165163785-C-T. GRCh37 (hg19) VCF-style: chr2-166020295-C-T.
Other names: c.603-76G>A (NM_001081676.2); c.694+17G>A (NM_001081677.2).
Identifiers: ClinVar variation 1287954 (VCV001287954.5), dbSNP rs2304710, ClinGen allele CA1939381.

ClinVar aggregate classification (germline): Benign. Review status: criteria provided, multiple submitters, no conflicts (2 of 4 stars). 4 submissions from 4 submitters: Benign (4). Last evaluated 2024-11-26.

Allele frequency attached by ClinVar (database versions not stated): gnomAD exomes 0.14459 and 0.21849; ESP Exome Variant Server 0.19148; ExAC 0.21094; gnomAD 0.22522 and 0.22633; TOPMed 0.24186; 1000 Genomes Project 30x 0.31262; 1000 Genomes Project 0.31829.
gnomAD v4.1: 247,478 of 1,612,810 alleles (15%); highest among the groups gnomAD compares: East Asian, 49%; 26,557 homozygotes.

Submissions (4):

Blueprint Genetics
Classification: Benign. Last evaluated: 2024-11-26. Review status: criteria provided, single submitter. Criteria: ACMG Guidelines, 2015. Collection method: clinical testing. Allele origin: germline.

Unidad de Genómica Garrahan, Hospital de Pediatría Garrahan
Classification: Benign. Last evaluated: 2024-07-15. Review status: criteria provided, single submitter. Criteria: ACMG Guidelines, 2015. Collection method: clinical testing. Allele origin: germline. Affected: no. Observed: 34 variant alleles.
Comment: This variant is classified as Benign based on local population frequency. This variant was detected in 37% of patients studied in a panel designed for Epileptic and Developmental Encephalopathy and Progressive Myoclonus Epilepsy. Number of patients: 34. Only high quality variants are reported.

GeneDx
Classification: Benign. Last evaluated: 2021-05-15. Review status: criteria provided, single submitter. Criteria: GeneDx Variant Classification Process June 2021. Collection method: clinical testing. Allele origin: germline. Affected: yes.

Breakthrough Genomics
Classification: Benign. Review status: criteria provided, single submitter. Criteria: ACMG Guidelines, 2015. Collection method: not provided. Allele origin: germline. Inheritance: Autosomal dominant inheritance. Affected: yes.